The following is an entry in ClinVar:

NM_018129.4(PNPO):c.37G>T (p.Gly13Trp)

Gene: PNPO (pyridoxamine 5'-phosphate oxidase; plus strand). Cytogenetic location: 17q21.32.
Variant type: single nucleotide variant.
Coding change: c.37G>T on transcript NM_018129.4 (MANE Select); coding-DNA position 37, G replaced by T.
Protein change: p.Gly13Trp; replaces glycine 13 with tryptophan.
Molecular consequence: missense variant.
Genome position (GRCh38, 1-based): chr17:47,941,712, G>T. VCF-style: chr17-47941712-G-T. GRCh37 (hg19) VCF-style: chr17-46019078-G-T.
Other names: short protein forms G13W.
Identifiers: ClinVar variation 502681 (VCV000502681.13), dbSNP rs1025645549, ClinGen allele CA291293093.

ClinVar aggregate classification (germline): Uncertain significance. Review status: criteria provided, multiple submitters, no conflicts (2 of 4 stars). 4 submissions from 4 submitters: Uncertain significance (4). Last evaluated 2024-09-27.

Conditions:
Inborn genetic diseases. Identifiers: MedGen C0950123, MeSH D030342.
Pyridoxal phosphate-responsive seizures (PNPOD). Also called: Pyridoxine-5'-phosphate oxidase deficiency; EPILEPTIC ENCEPHALOPATHY, NEONATAL, PNPO-RELATED; SEIZURES, PYRIDOXINE-RESISTANT, PLP-SENSITIVE; Pyridoxal 5'-Phosphate (PLP)-Dependent Epilepsy; Pyridoxamine 5-Prime-Phosphate Oxidase Deficiency. Identifiers: Orphanet 79096, MedGen C1864723, MONDO:0012407, OMIM 610090. Disease mechanism: loss of function.

Allele frequency attached by ClinVar (database versions not stated): gnomAD exomes 0.00001; gnomAD 0.00005.
gnomAD v4.1: 10 of 1,542,804 alleles (0.00065%); highest among the groups gnomAD compares: African/African-American, 0.014%; no homozygotes.

Submissions (4):

GeneDx
Classification: Uncertain significance. Last evaluated: 2024-09-27. Review status: criteria provided, single submitter. Criteria: GeneDx Variant Classification Process June 2021. Collection method: clinical testing. Allele origin: germline. Affected: yes.
Comment: Not observed at significant frequency in large population cohorts (gnomAD); In silico analysis indicates that this missense variant does not alter protein structure/function; Has not been previously published as pathogenic or benign to our knowledge

Ambry Genetics
Classification: Uncertain significance for Inborn genetic diseases. Last evaluated: 2024-08-27. Review status: criteria provided, single submitter. Criteria: Ambry Variant Classification Scheme 2023. Collection method: clinical testing. Allele origin: germline.

Labcorp Genetics (formerly Invitae), Labcorp
Classification: Uncertain significance for Pyridoxal phosphate-responsive seizures. Last evaluated: 2024-05-15. Review status: criteria provided, single submitter. Criteria: Invitae Variant Classification Sherloc (09022015). Collection method: clinical testing. Allele origin: germline.
Comment: This sequence change replaces glycine, which is neutral and non-polar, with tryptophan, which is neutral and slightly polar, at codon 13 of the PNPO protein (p.Gly13Trp). The frequency data for this variant in the population databases is considered unreliable, as metrics indicate poor data quality at this position in the gnomAD database. This variant has not been reported in the literature in individuals affected with PNPO-related conditions. ClinVar contains an entry for this variant (Variation ID: 502681). Algorithms developed to predict the effect of missense changes on protein structure and function output the following: SIFT: "Not Available"; PolyPhen-2: "Benign"; Align-GVGD: "Not Available". The tryptophan amino acid residue is found in multiple mammalian species, which suggests that this missense change does not adversely affect protein function. In summary, the available evidence is currently insufficient to determine the role of this variant in disease. Therefore, it has been classified as a Variant of Uncertain Significance.

Eurofins Ntd Llc (ga)
Classification: Uncertain significance. Last evaluated: 2017-06-23. Review status: criteria provided, single submitter. Criteria: EGL Classification Definitions 2015. Collection method: clinical testing. Allele origin: germline. Observed: 1 variant allele, 1 heterozygote.